The following is an entry in ClinVar:

CM000667.1:g.68757774_68828296dup

Genes: OCLN (occludin; plus strand), LOC101928924 (uncharacterized LOC101928924; minus strand). Cytogenetic location: 5q13.2.
Variant type: Duplication.
Identifiers: ClinVar variation 156974 (VCV000156974.2).

ClinVar aggregate classification (germline): not provided (0 of 4 stars; one submission).

Conditions:
Gestational diabetes mellitus uncontrolled. Identifiers: MedGen C3532257.

Submission:

Institute of Molecular and Cell Biology, University of Tartu
No classification provided. Condition: Gestational diabetes mellitus uncontrolled. Review status: no classification provided. Collection method: case-control. Allele origin: unknown. Affected: yes. Study: Kasak2014.
Comment: The study aimed to determine the contribution of copy number variants in the genetic etiology of normal and complicated pregnancies. The samples represented (i) maternal blood DNA drawn from healthy pregnant women during 1st or 2nd trimester and (ii) maternal and paternal blood DNA drawn at term pregnancy cases representing normal and complicated gestations (severe preeclampsia, PE; gestational diabetes, GD; small-for-gestational age newborn, SGA; large-for-gestational age newborn, LGA). We performed CNV calling based on genome-wide genotyping dataset (Illumina HumanOmniExpress-24-v1 BeadChip) by applying three algorithms, QuantiSNP, GADA (Genome Alteration Detection Algorithm) and CNstream in parallel. The acquired CNV calls were merged with HD-CNV (Hotspot Detector for Copy Number Variants) program and only the CNVs predicted by at least two programs, were considered in subsequent analysis.

Literature cited by the submitters: PubMed 25666259.